The following is an entry in ClinVar:

NM_016333.4(SRRM2):c.1027A>G (p.Lys343Glu)

Gene: SRRM2 (serine/arginine repetitive matrix 2; plus strand). Cytogenetic location: 16p13.3.
Variant type: single nucleotide variant.
Coding change: c.1027A>G on transcript NM_016333.4 (MANE Select); coding-DNA position 1027, A replaced by G.
Protein change: p.Lys343Glu; replaces lysine 343 with glutamic acid.
Molecular consequence: missense variant.
Genome position (GRCh38, 1-based): chr16:2,760,494, A>G. VCF-style: chr16-2760494-A-G. GRCh37 (hg19) VCF-style: chr16-2810495-A-G.
Other names: short protein forms K343E.
Identifiers: ClinVar variation 3251525 (VCV003251525.1), dbSNP rs1373656086.

ClinVar aggregate classification (germline): Uncertain significance (1 of 4 stars; one submission).

Allele frequency attached by ClinVar (database versions not stated): TOPMed below 0.00001; gnomAD 0.00001; gnomAD exomes 0.00001.
gnomAD v4.1: 11 of 1,614,026 alleles (0.00068%); highest among the groups gnomAD compares: African/African-American, 0.0013%; no homozygotes.

Submission:

Women's Health and Genetics/Laboratory Corporation of America, LabCorp
Classification: Uncertain significance. Last evaluated: 2024-04-04. Review status: criteria provided, single submitter. Criteria: LabCorp Variant Classification Summary - May 2015. Collection method: clinical testing. Allele origin: germline.
Comment: Variant summary: SRRM2 c.1027A>G (p.Lys343Glu) results in a conservative amino acid change in the encoded protein sequence. Five of five in-silico tools predict a benign effect of the variant on protein function. The variant allele was found at a frequency of 4e-06 in 251356 control chromosomes. The available data on variant occurrences in the general population are insufficient to allow any conclusion about variant significance. To our knowledge, no occurrence of c.1027A>G in individuals affected with Intellectual Developmental Disorder, Autosomal Dominant 72 and no experimental evidence demonstrating its impact on protein function have been reported. No submitters have cited clinical-significance assessments for this variant to ClinVar. Based on the evidence outlined above, the variant was classified as uncertain significance.